The following is an entry in ClinVar:

ClinVar aggregate classification (germline): Likely benign (0 of 4 stars; one submission).

Conditions:
AARS1-related disorder. Also called: AARS1-related condition.

Submission:

PreventionGenetics, part of Exact Sciences
Classification: Likely benign for AARS1-related condition. Last evaluated: 2019-04-25. Review status: no assertion criteria provided. Collection method: clinical testing. Allele origin: germline.
Comment: This variant is classified as likely benign based on ACMG/AMP sequence variant interpretation guidelines (Richards et al. 2015 PMID: 25741868, with internal and published modifications).

NM_001605.3(AARS1):c.543G>T (p.Thr181=)

Gene: AARS1 (alanyl-tRNA synthetase 1; minus strand). Cytogenetic location: 16q22.1.
Variant type: single nucleotide variant.
Coding change: c.543G>T on transcript NM_001605.3 (MANE Select); coding-DNA position 543, G replaced by T.
Protein change: p.Thr181=; no amino-acid change (threonine 181 retained).
Molecular consequence: synonymous variant.
Genome position (GRCh38, 1-based): chr16:70,271,909, C>A on the plus strand (G>T on the coding strand, the complement: AARS1 is on the minus strand). VCF-style: chr16-70271909-C-A. GRCh37 (hg19) VCF-style: chr16-70305812-C-A.
Identifiers: ClinVar variation 3040454 (VCV003040454.2), dbSNP rs900751261, ClinGen allele CA496210713.